The following is an entry in ClinVar:

NM_014704.4(CEP104):c.1651T>G (p.Phe551Val)

Gene: CEP104 (centrosomal protein 104; minus strand). Cytogenetic location: 1p36.32.
Variant type: single nucleotide variant.
Coding change: c.1651T>G on transcript NM_014704.4 (MANE Select); coding-DNA position 1651, T replaced by G.
Protein change: p.Phe551Val; replaces phenylalanine 551 with valine.
Molecular consequence: missense variant.
Genome position (GRCh38, 1-based): chr1:3,833,870, A>C on the plus strand (T>G on the coding strand, the complement: CEP104 is on the minus strand). VCF-style: chr1-3833870-A-C. GRCh37 (hg19) VCF-style: chr1-3750434-A-C.
Other names: short protein forms F551V.
Identifiers: ClinVar variation 1974395 (VCV001974395.5), dbSNP rs2525429444, ClinGen allele CA338040066.

ClinVar aggregate classification (germline): Uncertain significance (1 of 4 stars; one submission).

Conditions:
Joubert syndrome 25 (JBTS25). Identifiers: Orphanet 475, MedGen C4084842, MONDO:0014770, OMIM 616781.

Allele frequency attached by ClinVar (database versions not stated): gnomAD exomes below 0.00001.
gnomAD v4.1: 1 of 1,614,248 alleles (0.000062%); highest among the groups gnomAD compares: South Asian, 0.0011%; no homozygotes.

Submission:

Labcorp Genetics (formerly Invitae), Labcorp
Classification: Uncertain significance for Joubert syndrome 25. Last evaluated: 2023-12-07. Review status: criteria provided, single submitter. Criteria: Invitae Variant Classification Sherloc (09022015). Collection method: clinical testing. Allele origin: germline.
Comment: This sequence change replaces phenylalanine, which is neutral and non-polar, with valine, which is neutral and non-polar, at codon 551 of the CEP104 protein (p.Phe551Val). This variant is not present in population databases (gnomAD no frequency). This variant has not been reported in the literature in individuals affected with CEP104-related conditions. ClinVar contains an entry for this variant (Variation ID: 1974395). An algorithm developed to predict the effect of missense changes on protein structure and function (PolyPhen-2) suggests that this variant is likely to be disruptive. In summary, the available evidence is currently insufficient to determine the role of this variant in disease. Therefore, it has been classified as a Variant of Uncertain Significance.